The following is an entry in ClinVar:

NM_006231.4(POLE):c.2411T>C (p.Leu804Pro)

Gene: POLE (DNA polymerase epsilon, catalytic subunit; minus strand). Cytogenetic location: 12q24.33.
Variant type: single nucleotide variant.
Coding change: c.2411T>C on transcript NM_006231.4 (MANE Select); coding-DNA position 2411, T replaced by C.
Protein change: p.Leu804Pro; replaces leucine 804 with proline.
Molecular consequence: missense variant.
Genome position (GRCh38, 1-based): chr12:132,665,359, A>G on the plus strand (T>C on the coding strand, the complement: POLE is on the minus strand). VCF-style: chr12-132665359-A-G. GRCh37 (hg19) VCF-style: chr12-133241945-A-G.
Other names: c.2411T>C (NM_006231.2); short protein forms L804P.
Identifiers: ClinVar variation 1025791 (VCV001025791.9), dbSNP rs201668507, ClinGen allele CA387397210.

ClinVar aggregate classification (germline): Uncertain significance. Review status: criteria provided, multiple submitters, no conflicts (2 of 4 stars). 2 submissions from 2 submitters: Uncertain significance (2). Last evaluated 2024-09-15.

Conditions:
Hereditary cancer-predisposing syndrome. Also called: Neoplastic Syndromes, Hereditary; Tumor predisposition; Hereditary Cancer Syndrome; Hereditary neoplastic syndrome. Identifiers: Orphanet 140162, MedGen C0027672, MeSH D009386, MONDO:0015356.

Submissions (2):

Ambry Genetics
Classification: Uncertain significance for Hereditary cancer-predisposing syndrome. Last evaluated: 2024-09-15. Review status: criteria provided, single submitter. Criteria: Ambry Variant Classification Scheme 2023. Collection method: clinical testing. Allele origin: germline.
Comment: The p.L804P variant (also known as c.2411T>C), located in coding exon 21 of the POLE gene, results from a T to C substitution at nucleotide position 2411. The leucine at codon 804 is replaced by proline, an amino acid with similar properties. This amino acid position is conserved. In addition, this alteration is predicted to be deleterious by in silico analysis. Based on the available evidence, the clinical significance of this variant remains unclear.

Labcorp Genetics (formerly Invitae), Labcorp
Classification: Uncertain significance. Last evaluated: 2022-09-01. Review status: criteria provided, single submitter. Criteria: Invitae Variant Classification Sherloc (09022015). Collection method: clinical testing. Allele origin: germline.
Comment: In summary, the available evidence is currently insufficient to determine the role of this variant in disease. Therefore, it has been classified as a Variant of Uncertain Significance. Algorithms developed to predict the effect of missense changes on protein structure and function (SIFT, PolyPhen-2, Align-GVGD) all suggest that this variant is likely to be disruptive. ClinVar contains an entry for this variant (Variation ID: 1025791). This variant has not been reported in the literature in individuals affected with POLE-related conditions. This variant is not present in population databases (gnomAD no frequency). This sequence change replaces leucine, which is neutral and non-polar, with proline, which is neutral and non-polar, at codon 804 of the POLE protein (p.Leu804Pro).